The following is an entry in ClinVar:

NM_181882.3(PRX):c.2853dup (p.Gly952fs)

Gene: PRX (periaxin; minus strand). Cytogenetic location: 19q13.2.
Variant type: Duplication.
Coding change: c.2853dup on transcript NM_181882.3 (MANE Select); coding-DNA position 2853, one base duplicated (T; older notation c.2853dupT).
Protein change: p.Gly952fs; shifts the reading frame from glycine 952.
Molecular consequence: frameshift variant. On other transcripts: 3 prime UTR variant (1).
Genome position (GRCh38, 1-based): chr19:40,395,499, A duplicated on the plus strand (T on the coding strand, the reverse complement: PRX is on the minus strand). VCF-style (leftmost placement, unchanged base first): chr19-40395498-C-CA. GRCh37 (hg19) VCF-style: chr19-40901405-C-CA.
Other names: c.2853dupT (NM_181882.2); c.*3058dup (NM_020956.2); short protein forms G952fs.
Identifiers: ClinVar variation 595695 (VCV000595695.15), dbSNP rs1568704829, ClinGen allele CA913190494.

ClinVar aggregate classification (germline): Pathogenic/Likely pathogenic. Review status: criteria provided, multiple submitters, no conflicts (2 of 4 stars). 3 submissions from 3 submitters: Pathogenic (2); Likely pathogenic (1). Last evaluated 2024-04-25.

Conditions:
Charcot-Marie-Tooth disease type 4. Also called: Charcot-Marie-Tooth disease, type IV; Charcot-Marie-Tooth, Type 4. Identifiers: Orphanet 64749, MedGen C4082197, MONDO:0018995.
Inborn genetic diseases. Identifiers: MedGen C0950123, MeSH D030342.

Allele frequency attached by ClinVar (database versions not stated): gnomAD exomes 0.00001.

Submissions (3):

Labcorp Genetics (formerly Invitae), Labcorp
Classification: Pathogenic for Charcot-Marie-Tooth disease type 4. Last evaluated: 2024-04-25. Review status: criteria provided, single submitter. Criteria: Invitae Variant Classification Sherloc (09022015). Collection method: clinical testing. Allele origin: germline.
Comment: This sequence change creates a premature translational stop signal (p.Gly952Trpfs*23) in the PRX gene. While this is not anticipated to result in nonsense mediated decay, it is expected to disrupt the last 510 amino acid(s) of the PRX protein. This variant is not present in population databases (gnomAD no frequency). This variant has not been reported in the literature in individuals affected with PRX-related conditions. ClinVar contains an entry for this variant (Variation ID: 595695). This variant disrupts a region of the PRX protein in which other variant(s) (p.Arg1070*) have been determined to be pathogenic (PMID: 15197604, 15469949, 16770524, 22847150, 26059842). This suggests that this is a clinically significant region of the protein, and that variants that disrupt it are likely to be disease-causing. For these reasons, this variant has been classified as Pathogenic.

Ambry Genetics
Classification: Likely pathogenic for Inborn genetic diseases. Last evaluated: 2020-12-14. Review status: criteria provided, single submitter. Criteria: Ambry Variant Classification Scheme 2023. Collection method: clinical testing. Allele origin: germline.
Comment: The c.2853dupT variant, located in coding exon 4 of the PRX gene, results from a duplication of T at nucleotide position 2853, causing a translational frameshift with a predicted alternate stop codon (p.G952Wfs*23). This alteration occurs at the 3' terminus of thePRX gene, is not expected to trigger nonsense-mediated mRNA decay, and only impacts the last 34% of the protein. However, premature stop codons are typically deleterious in nature and the impacted region is critical for protein function (Ambry internal data). This variant was not reported in population-based cohorts in the Genome Aggregation Database (gnomAD). Based on the majority of available evidence to date, this variant is likely to be pathogenic.

Eurofins Ntd Llc (ga)
Classification: Pathogenic. Last evaluated: 2018-01-10. Review status: criteria provided, single submitter. Criteria: EGL Classification Definitions 2015. Collection method: clinical testing. Allele origin: germline.

Literature cited by the submitters: PubMed 15197604 (cited by Labcorp Genetics (formerly Invitae), Labcorp); PubMed 15469949 (cited by Labcorp Genetics (formerly Invitae), Labcorp); PubMed 16770524 (cited by Labcorp Genetics (formerly Invitae), Labcorp); PubMed 22847150 (cited by Labcorp Genetics (formerly Invitae), Labcorp); PubMed 26059842 (cited by Labcorp Genetics (formerly Invitae), Labcorp).